The following is an entry in ClinVar:

ClinVar aggregate classification (germline): Uncertain significance (1 of 4 stars; one submission).

Submission:

GeneDx
Classification: Uncertain significance. Last evaluated: 2022-04-27. Review status: criteria provided, single submitter. Criteria: GeneDx Variant Classification Process June 2021. Collection method: clinical testing. Allele origin: germline. Affected: yes.
Comment: Not observed at significant frequency in large population cohorts (gnomAD); In silico analysis supports that this missense variant has a deleterious effect on protein structure/function; Has not been previously published as pathogenic or benign to our knowledge; This variant is associated with the following publications: (PMID: 27164704)

NM_007327.4(GRIN1):c.1946C>T (p.Ala649Val)

Gene: GRIN1 (glutamate ionotropic receptor NMDA type subunit 1; plus strand). Cytogenetic location: 9q34.3.
Variant type: single nucleotide variant.
Coding change: c.1946C>T on transcript NM_007327.4 (MANE Select); coding-DNA position 1946, C replaced by T.
Protein change: p.Ala649Val; replaces alanine 649 with valine.
Molecular consequence: missense variant.
Genome position (GRCh38, 1-based): chr9:137,162,672, C>T. VCF-style: chr9-137162672-C-T. GRCh37 (hg19) VCF-style: chr9-140057124-C-T.
Other names: c.1946C>T, p.Ala649Val (NM_000832.7, NM_021569.4); c.2009C>T, p.Ala670Val (NM_001185090.2, NM_001185091.2); short protein forms A649V, A670V.
Identifiers: ClinVar variation 1712765 (VCV001712765.2), dbSNP rs2538640891, ClinGen allele CA375720899.